The following is an entry in ClinVar:

NM_014946.4(SPAST):c.1728+16A>G

Gene: SPAST (spastin; plus strand). Cytogenetic location: 2p22.3.
Variant type: single nucleotide variant.
Coding change: c.1728+16A>G on transcript NM_014946.4 (MANE Select); 16 bases into the intron after coding-DNA position 1728, A replaced by G.
Molecular consequence: intron variant.
Genome position (GRCh38, 1-based): chr2:32,147,274, A>G. VCF-style: chr2-32147274-A-G. GRCh37 (hg19) VCF-style: chr2-32372343-A-G.
Other names: c.1632+16A>G (NM_199436.2); c.*1+16A>G (NM_001377959.1); c.1725+16A>G (NM_001363823.2); c.1629+16A>G (NM_001363875.2).
Identifiers: ClinVar variation 382439 (VCV000382439.12), dbSNP rs76494041, ClinGen allele CA1601001.

ClinVar aggregate classification (germline): Benign/Likely benign. Review status: criteria provided, multiple submitters, no conflicts (2 of 4 stars). 3 submissions from 3 submitters: Benign (1); Likely benign (2). Last evaluated 2026-02-03.

Conditions:
Hereditary spastic paraplegia 4. Also called: Spastic Paraplegia 4; Spastic paraplegia 4, autosomal dominant; Familial spastic paraplegia autosomal dominant 2. Identifiers: Orphanet 100985, MedGen C1866855, MONDO:0008438, OMIM 182601.

Allele frequency attached by ClinVar (database versions not stated): gnomAD exomes 0.00062 and 0.00164; ExAC 0.00199; gnomAD 0.00684 and 0.00731; ESP Exome Variant Server 0.00685; 1000 Genomes Project 0.00759; TOPMed 0.00792; 1000 Genomes Project 30x 0.00843.
gnomAD v4.1: 1,940 of 1,567,728 alleles (0.12%); highest among the groups gnomAD compares: African/African-American, 2.3%; 29 homozygotes.

Submissions (3):

Labcorp Genetics (formerly Invitae), Labcorp
Classification: Benign for Hereditary spastic paraplegia 4. Last evaluated: 2026-02-03. Review status: criteria provided, single submitter. Criteria: Invitae Variant Classification Sherloc (09022015). Collection method: clinical testing. Allele origin: germline.

Blueprint Genetics
Classification: Likely benign. Last evaluated: 2024-11-19. Review status: criteria provided, single submitter. Criteria: ACMG Guidelines, 2015. Collection method: clinical testing. Allele origin: germline.

GeneDx
Classification: Likely benign. Last evaluated: 2017-06-28. Review status: criteria provided, single submitter. Criteria: GeneDx Variant Classification (06012015). Collection method: clinical testing. Allele origin: germline. Affected: yes.
Comment: This variant is considered likely benign or benign based on one or more of the following criteria: it is a conservative change, it occurs at a poorly conserved position in the protein, it is predicted to be benign by multiple in silico algorithms, and/or has population frequency not consistent with disease.